The following is an entry in ClinVar:

ClinVar aggregate classification (germline): Likely pathogenic (1 of 4 stars; one submission).

gnomAD v4.1: 1 of 1,612,112 alleles (0.000062%); highest among the groups gnomAD compares: East Asian, 0.0022%; no homozygotes.

Submission:

GeneDx
Classification: Likely pathogenic. Last evaluated: 2024-08-13. Review status: criteria provided, single submitter. Criteria: GeneDx Variant Classification Process June 2021. Collection method: clinical testing. Allele origin: germline. Affected: yes.
Comment: Not observed at significant frequency in large population cohorts (gnomAD); Affects a cysteine residue within an EGF-like domain of the FBN1 gene, which may affect disulfide bonding and is predicted to alter the structure and function of the protein; cysteine substitutions in the EGF-like domains represent the majority of pathogenic missense changes associated with FBN1-related disorders (PMID: 12938084); In silico analysis supports that this missense variant has a deleterious effect on protein structure/function; This variant is associated with the following publications: (PMID: 19293843, 28855619, 12938084, 10486319)

NM_000138.5(FBN1):c.5579G>T (p.Cys1860Phe)

Gene: FBN1 (fibrillin 1; minus strand). Cytogenetic location: 15q21.1.
Variant type: single nucleotide variant.
Coding change: c.5579G>T on transcript NM_000138.5 (MANE Select); coding-DNA position 5579, G replaced by T.
Protein change: p.Cys1860Phe; replaces cysteine 1860 with phenylalanine.
Molecular consequence: missense variant.
Genome position (GRCh38, 1-based): chr15:48,448,860, C>A on the plus strand (G>T on the coding strand, the complement: FBN1 is on the minus strand). VCF-style: chr15-48448860-C-A. GRCh37 (hg19) VCF-style: chr15-48741057-C-A.
Other names: c.5579G>T, p.Cys1860Phe (NM_001406716.1); short protein forms C1860F.
Identifiers: ClinVar variation 3730842 (VCV003730842.1).
Genomic context (GRCh38, chr15:48,448,860, plus strand): 5'-AAACCAGTGTGGCAAAGGCAATAAAAGCTTCCAACTGTGTCAATGCACTGCCCATGACTG[C>A]ATATATTGGGGATTTCTTGACATTCATTACGATCTGTAAATAAGAAGCATCTTAAGTGAG-3'
Protein context (NP_000129.3, residues 1850-1870): RNECQEIPNI[Cys1860Phe]SHGQCIDTVG